The following is an entry in ClinVar:

ClinVar aggregate classification (germline): Uncertain significance (1 of 4 stars; one submission).

Conditions:
Encephalopathy, acute, infection-induced (herpes-specific), susceptibility to, 1. Also called: Herpes simplex encephalitis, susceptibility to, 1. Identifiers: Orphanet 1930, MedGen C2750180, MONDO:0024563, OMIM 610551.

Allele frequency attached by ClinVar (database versions not stated): gnomAD exomes below 0.00001; TOPMed below 0.00001; ExAC 0.00002.
gnomAD v4.1: 2 of 1,614,076 alleles (0.00012%); highest among the groups gnomAD compares: Admixed American, 0.0033%; no homozygotes.

Submission:

Labcorp Genetics (formerly Invitae), Labcorp
Classification: Uncertain significance for Encephalopathy, acute, infection-induced (herpes-specific), susceptibility to, 1. Last evaluated: 2022-11-30. Review status: criteria provided, single submitter. Criteria: Invitae Variant Classification Sherloc (09022015). Collection method: clinical testing. Allele origin: germline.
Comment: This sequence change replaces methionine, which is neutral and non-polar, with leucine, which is neutral and non-polar, at codon 870 of the TLR3 protein (p.Met870Leu). This variant is present in population databases (rs773578260, gnomAD 0.006%). In summary, the available evidence is currently insufficient to determine the role of this variant in disease. Therefore, it has been classified as a Variant of Uncertain Significance. Algorithms developed to predict the effect of missense changes on protein structure and function (SIFT, PolyPhen-2, Align-GVGD) all suggest that this variant is likely to be tolerated. This variant has not been reported in the literature in individuals affected with TLR3-related conditions.

NM_003265.3(TLR3):c.2608A>T (p.Met870Leu)

Gene: TLR3 (toll like receptor 3; plus strand). Cytogenetic location: 4q35.1.
Variant type: single nucleotide variant.
Coding change: c.2608A>T on transcript NM_003265.3 (MANE Select); coding-DNA position 2608, A replaced by T.
Protein change: p.Met870Leu; replaces methionine 870 with leucine.
Molecular consequence: missense variant.
Genome position (GRCh38, 1-based): chr4:186,084,766, A>T. VCF-style: chr4-186084766-A-T. GRCh37 (hg19) VCF-style: chr4-187005920-A-T.
Other names: short protein forms M870L.
Identifiers: ClinVar variation 2771323 (VCV002771323.3), dbSNP rs773578260, ClinGen allele CA3161616.